The following is an entry in ClinVar:

ClinVar aggregate classification (germline): Benign. Review status: criteria provided, single submitter (1 of 4 stars). 2 submissions from 2 submitters: Benign (1). 1 of the submissions does not count toward it. Last evaluated 2025-09-07.

Conditions:
OPHN1-related disorder.

Allele frequency attached by ClinVar (database versions not stated): TOPMed 0.00003; gnomAD 0.00005; ExAC 0.00009; gnomAD exomes 0.00006; ESP Exome Variant Server 0.00009.
gnomAD v4.1: 75 of 1,208,758 alleles (0.0062%); highest among the groups gnomAD compares: Non-Finnish European, 0.0078%; no homozygotes.

Submissions (2):

Labcorp Genetics (formerly Invitae), Labcorp
Classification: Benign. Last evaluated: 2025-09-07. Review status: criteria provided, single submitter. Criteria: Invitae Variant Classification Sherloc (09022015). Collection method: clinical testing. Allele origin: germline.

PreventionGenetics, part of Exact Sciences
Classification: Likely benign for OPHN1-related condition. Last evaluated: 2021-01-28. Review status: no assertion criteria provided. Collection method: clinical testing. Allele origin: germline. Not counted in ClinVar's aggregate classification.
Comment: This variant is classified as likely benign based on ACMG/AMP sequence variant interpretation guidelines (Richards et al. 2015 PMID: 25741868, with internal and published modifications).

NM_002547.3(OPHN1):c.903G>A (p.Thr301=)

Gene: OPHN1 (oligophrenin 1; minus strand). Cytogenetic location: Xq12.
Variant type: single nucleotide variant.
Coding change: c.903G>A on transcript NM_002547.3 (MANE Select); coding-DNA position 903, G replaced by A.
Protein change: p.Thr301=; no amino-acid change (threonine 301 retained).
Molecular consequence: synonymous variant.
Genome position (GRCh38, 1-based): chrX:68,206,603, C>T on the plus strand (G>A on the coding strand, the complement: OPHN1 is on the minus strand). VCF-style: chrX-68206603-C-T. GRCh37 (hg19) VCF-style: chrX-67426445-C-T.
Other names: c.903G>A (NM_002547.2).
Identifiers: ClinVar variation 2906465 (VCV002906465.5), dbSNP rs370014854, ClinGen allele CA10437032.